The following is an entry in ClinVar:

ClinVar aggregate classification (germline): Conflicting classifications of pathogenicity. Review status: criteria provided, conflicting classifications (1 of 4 stars). 6 submissions from 6 submitters: Uncertain significance (1); Benign (2); Likely benign (2). 1 of the submissions does not count toward it. Last evaluated 2026-01-27.

Conditions:
SLC7A9-related disorder. Also called: SLC7A9-related condition.
Cystinuria (CSNU). Also called: CYSTINURIA, TYPE I; CYSTINURIA, TYPE II; CYSTINURIA, TYPE III; Cystinuria, non-type I. Identifiers: Orphanet 214, MedGen C0010691, MONDO:0009067, OMIM 220100, HP:0003131.

Allele frequency attached by ClinVar (database versions not stated): 1000 Genomes Project 0.00120; 1000 Genomes Project 30x 0.00141; gnomAD exomes 0.00286 and 0.00506; ExAC 0.00298; gnomAD 0.00301 and 0.00315; TOPMed 0.00308; ESP Exome Variant Server 0.00531.
gnomAD v4.1: 7,566 of 1,581,220 alleles (0.48%); highest among the groups gnomAD compares: Non-Finnish European, 0.61%; 20 homozygotes.

Submissions (6):

Labcorp Genetics (formerly Invitae), Labcorp
Classification: Benign. Last evaluated: 2026-01-27. Review status: criteria provided, single submitter. Criteria: Invitae Variant Classification Sherloc (09022015). Collection method: clinical testing. Allele origin: germline.

Blueprint Genetics
Classification: Likely benign. Last evaluated: 2024-11-13. Review status: criteria provided, single submitter. Criteria: ACMG Guidelines, 2015. Collection method: clinical testing. Allele origin: germline.

Fulgent Genetics
Classification: Likely benign for Cystinuria. Last evaluated: 2022-05-31. Review status: criteria provided, single submitter. Criteria: ACMG Guidelines, 2015. Collection method: clinical testing. Allele origin: unknown.

Revvity Omics, Revvity
Classification: Uncertain significance for Cystinuria. Last evaluated: 2020-11-11. Review status: criteria provided, single submitter. Criteria: ACMG Guidelines, 2015. Collection method: clinical testing. Allele origin: germline.

Breakthrough Genomics
Classification: Benign. Review status: criteria provided, single submitter. Criteria: ACMG Guidelines, 2015. Collection method: not provided. Allele origin: germline. Inheritance: Autosomal dominant inheritance. Affected: yes.

PreventionGenetics, part of Exact Sciences
Classification: Likely benign for SLC7A9-related condition. Last evaluated: 2019-03-29. Review status: no assertion criteria provided. Collection method: clinical testing. Allele origin: germline. Not counted in ClinVar's aggregate classification.
Comment: This variant is classified as likely benign based on ACMG/AMP sequence variant interpretation guidelines (Richards et al. 2015 PMID: 25741868, with internal and published modifications).

NM_014270.5(SLC7A9):c.978-17G>A

Gene: SLC7A9 (solute carrier family 7 member 9; minus strand). Cytogenetic location: 19q13.11.
Variant type: single nucleotide variant.
Coding change: c.978-17G>A on transcript NM_014270.5 (MANE Select); 17 bases into the intron before coding-DNA position 978, G replaced by A.
Molecular consequence: intron variant.
Genome position (GRCh38, 1-based): chr19:32,843,968, C>T on the plus strand (G>A on the coding strand, the complement: SLC7A9 is on the minus strand). VCF-style: chr19-32843968-C-T. GRCh37 (hg19) VCF-style: chr19-33334874-C-T.
Other names: c.978-17G>A (NM_014270.4, NM_001126335.2, NM_001243036.2).
Identifiers: ClinVar variation 1165737 (VCV001165737.16), dbSNP rs45628833, ClinGen allele CA9358539.